The following is an entry in ClinVar:

ClinVar aggregate classification (germline): Uncertain significance. Review status: criteria provided, multiple submitters, no conflicts (2 of 4 stars). 2 submissions from 2 submitters: Uncertain significance (2). Last evaluated 2021-11-11.

Conditions:
Metachromatic leukodystrophy (MLD). Also called: METACHROMATIC LEUKOENCEPHALOPATHY; Cerebral sclerosis diffuse metachromatic form; SULFATIDE LIPIDOSIS; ARSA DEFICIENCY; CEREBROSIDE SULFATASE DEFICIENCY; Arylsulfatase A Deficiency. Identifiers: Orphanet 512, MedGen C0023522, MONDO:0018868, OMIM 250100.

Submissions (2):

Labcorp Genetics (formerly Invitae), Labcorp
Classification: Uncertain significance for Metachromatic leukodystrophy. Last evaluated: 2021-11-11. Review status: criteria provided, single submitter. Criteria: Invitae Variant Classification Sherloc (09022015). Collection method: clinical testing. Allele origin: germline.
Comment: This sequence change replaces histidine, which is basic and polar, with arginine, which is basic and polar, at codon 508 of the ARSA protein (p.His508Arg). This variant is not present in population databases (gnomAD no frequency). This variant has not been reported in the literature in individuals affected with ARSA-related conditions. ClinVar contains an entry for this variant (Variation ID: 1028784). Algorithms developed to predict the effect of missense changes on protein structure and function output the following: SIFT: "Tolerated"; PolyPhen-2: "Benign"; Align-GVGD: "Class C0". The arginine amino acid residue is found in multiple mammalian species, which suggests that this missense change does not adversely affect protein function. In summary, the available evidence is currently insufficient to determine the role of this variant in disease. Therefore, it has been classified as a Variant of Uncertain Significance.

Baylor Genetics
Classification: Uncertain significance for Metachromatic leukodystrophy. Last evaluated: 2019-03-07. Review status: criteria provided, single submitter. Criteria: ACMG Guidelines, 2015. Collection method: clinical testing. Allele origin: paternal. Affected: yes.
Comment: This variant was determined to be of uncertain significance according to ACMG Guidelines, 2015 [PMID:25741868].

NM_000487.6(ARSA):c.1523A>G (p.His508Arg)

Gene: ARSA (arylsulfatase A; minus strand). Cytogenetic location: 22q13.33.
Variant type: single nucleotide variant.
Coding change: c.1523A>G on transcript NM_000487.6 (MANE Select); coding-DNA position 1523, A replaced by G.
Protein change: p.His508Arg; replaces histidine 508 with arginine.
Molecular consequence: missense variant.
Genome position (GRCh38, 1-based): chr22:50,625,152, T>C on the plus strand (A>G on the coding strand, the complement: ARSA is on the minus strand). VCF-style: chr22-50625152-T-C. GRCh37 (hg19) VCF-style: chr22-51063580-T-C.
Other names: c.1523A>G, p.His508Arg (NM_001085425.3, NM_001085426.3, NM_001085427.3); c.1265A>G, p.His422Arg (NM_001085428.3, NM_001362782.2); short protein forms H422R, H508R.
Identifiers: ClinVar variation 1028784 (VCV001028784.4), dbSNP rs2082640761, ClinGen allele CA412166587.
Genomic context (GRCh38, chr22:50,625,152, plus strand): 5'-CCCACAGGCTCCCAGTGAGGAGCCATCACATGCCCAGGCCAGCCGAGGGGCCCTCAGGCA[T>C]GGGGATCTGGGCAATGGCAGCAAGCTGGGCGGGGGGTGCAGCCAGGATGACAGCAGATCT-3'
Protein context (NP_000478.3, residues 498-509): RPACCHCPDP[His508Arg]A